The following is an entry in ClinVar:

ClinVar aggregate classification (germline): Pathogenic (1 of 4 stars; one submission).

Conditions:
Ataxia-telangiectasia syndrome (AT). Also called: Ataxia telangiectasia (A-T); LOUIS-BAR SYNDROME; Cerebello-oculocutaneous telangiectasia; Immunodeficiency with ataxia telangiectasia; AT, COMPLEMENTATION GROUP C; Ataxia-telangiectasia, complementation group D. Identifiers: Orphanet 100, MedGen C0004135, MONDO:0008840, OMIM 208900.

Submission:

Labcorp Genetics (formerly Invitae), Labcorp
Classification: Pathogenic for Ataxia-telangiectasia syndrome. Last evaluated: 2023-07-08. Review status: criteria provided, single submitter. Criteria: Invitae Variant Classification Sherloc (09022015). Collection method: clinical testing. Allele origin: germline.
Comment: This sequence change creates a premature translational stop signal (p.Ala135Leufs*18) in the ATM gene. It is expected to result in an absent or disrupted protein product. Loss-of-function variants in ATM are known to be pathogenic (PMID: 23807571, 25614872). For these reasons, this variant has been classified as Pathogenic. ClinVar contains an entry for this variant (Variation ID: 1427293). This variant has not been reported in the literature in individuals affected with ATM-related conditions. This variant is not present in population databases (gnomAD no frequency).

Literature cited by the submitters: PubMed 23807571; PubMed 25614872.

NM_000051.4(ATM):c.403del (p.Ala135fs)

Gene: ATM (ATM serine/threonine kinase; plus strand). Cytogenetic location: 11q22.3.
Variant type: Deletion.
Coding change: c.403del on transcript NM_000051.4 (MANE Select); coding-DNA position 403, one base deleted (G; older notation c.403delG).
Protein change: p.Ala135fs; shifts the reading frame from alanine 135.
Molecular consequence: frameshift variant.
Genome position (GRCh38, 1-based): chr11:108,235,741, G deleted. VCF-style (leftmost placement, unchanged base first): chr11-108235740-TG-T. GRCh37 (hg19) VCF-style: chr11-108106467-TG-T.
Other names: c.403del, p.Ala135fs (NM_001351834.2); short protein forms A135fs.
Identifiers: ClinVar variation 1427293 (VCV001427293.6), dbSNP rs2135123204, ClinGen allele CA2573146390.